The following is an entry in ClinVar:

ClinVar aggregate classification (germline): Uncertain significance (1 of 4 stars; one submission).

Submission:

Labcorp Genetics (formerly Invitae), Labcorp
Classification: Uncertain significance. Last evaluated: 2021-12-15. Review status: criteria provided, single submitter. Criteria: Invitae Variant Classification Sherloc (09022015). Collection method: clinical testing. Allele origin: germline.
Comment: In summary, the available evidence is currently insufficient to determine the role of this variant in disease. Therefore, it has been classified as a Variant of Uncertain Significance. Variants that disrupt the consensus splice site are a relatively common cause of aberrant splicing (PMID: 17576681, 9536098). Algorithms developed to predict the effect of sequence changes on RNA splicing suggest that this variant may disrupt the consensus splice site. This variant has not been reported in the literature in individuals affected with FLNB-related conditions. This variant is not present in population databases (gnomAD no frequency). This sequence change falls in intron 4 of the FLNB gene. It does not directly change the encoded amino acid sequence of the FLNB protein. It affects a nucleotide within the consensus splice site.

Literature cited by the submitters: PubMed 17576681; PubMed 9536098.

NM_001457.4(FLNB):c.788-3C>T

Gene: FLNB (filamin B; plus strand). Cytogenetic location: 3p14.3.
Variant type: single nucleotide variant.
Coding change: c.788-3C>T on transcript NM_001457.4 (MANE Select); 3 bases into the intron before coding-DNA position 788, C replaced by T.
Molecular consequence: intron variant.
Genome position (GRCh38, 1-based): chr3:58,094,833, C>T. VCF-style: chr3-58094833-C-T. GRCh37 (hg19) VCF-style: chr3-58080560-C-T.
Other names: c.788-3C>T (NM_001164317.2, NM_001164318.2, NM_001164319.2).
Identifiers: ClinVar variation 2042952 (VCV002042952.4), dbSNP rs112902485, ClinGen allele CA2580070350.